The following is an entry in ClinVar:

ClinVar aggregate classification (germline): Uncertain significance. Review status: criteria provided, multiple submitters, no conflicts (2 of 4 stars). 3 submissions from 3 submitters: Uncertain significance (3). Last evaluated 2026-04-14.

Conditions:
TTN-related disorder. Also called: TTN-related disorders; TTN-related condition; TTN-related disease.
Myopathy, myofibrillar, 9, with early respiratory failure (MFM9). Also called: EDSTROM MYOPATHY; Hereditary myopathy with early respiratory failure; Myopathy, distal, with early respiratory failure, autosomal dominant; MYOPATHY, PROXIMAL, WITH EARLY RESPIRATORY MUSCLE INVOLVEMENT. Identifiers: Orphanet 178464, Orphanet 34521, MedGen C1863599, MONDO:0011362, OMIM 603689.
Autosomal recessive limb-girdle muscular dystrophy type 2J (LGMDR10). Also called: Limb-girdle muscular dystrophy, type 2J; MUSCULAR DYSTROPHY, LIMB-GIRDLE, AUTOSOMAL RECESSIVE 10. Identifiers: Orphanet 140922, MedGen C1837342, MONDO:0012127, OMIM 608807.
Dilated cardiomyopathy 1G (CMD1G). Identifiers: Orphanet 154, MedGen C1858763, MONDO:0011400, OMIM 604145.
Hypertrophic cardiomyopathy 9. Also called: Familial hypertrophic cardiomyopathy 9. Identifiers: MedGen C1861065, MONDO:0013412, OMIM 613765.
Tibial muscular dystrophy (TMD). Also called: UDD MYOPATHY; Udd Distal Myopathy – Tibial Muscular Dystrophy; Tibial muscular dystrophy, tardive. Identifiers: Orphanet 609, MedGen C1838244, MONDO:0010870, OMIM 600334.
Early-onset myopathy with fatal cardiomyopathy (CMYO5). Also called: Salih Myopathy; CONGENITAL MYOPATHY 5 WITH CARDIOMYOPATHY. Identifiers: Orphanet 289377, MedGen C2673677, MONDO:0012714, OMIM 611705. Disease mechanism: loss of function.

Allele frequency attached by ClinVar (database versions not stated): gnomAD exomes below 0.00001 and 0.00001; TOPMed 0.00002.
gnomAD v4.1: 6 of 1,612,714 alleles (0.00037%); highest among the groups gnomAD compares: Admixed American, 0.005%; no homozygotes.

Submissions (3):

PreventionGenetics, part of Exact Sciences
Classification: Uncertain significance for TTN-related condition. Last evaluated: 2026-04-14. Review status: criteria provided, single submitter. Criteria: ACMG Guidelines, 2015. Collection method: clinical testing. Allele origin: germline.
Comment: The TTN c.66669G>A variant is predicted to result in the amino acid substitution p.Met22223Ile. To our knowledge, this variant has not been reported in the literature. This variant is reported in 0.0087% of alleles in individuals of Latino descent in gnomAD. At this time, the clinical significance of this variant is uncertain due to the absence of conclusive functional and genetic evidence.

Fulgent Genetics
Classification: Uncertain significance for Tibial muscular dystrophy; Myopathy, myofibrillar, 9, with early respiratory failure; Dilated cardiomyopathy 1G; Autosomal recessive limb-girdle muscular dystrophy type 2J; Early-onset myopathy with fatal cardiomyopathy; Hypertrophic cardiomyopathy 9. Last evaluated: 2021-10-08. Review status: criteria provided, single submitter. Criteria: ACMG Guidelines, 2015. Collection method: clinical testing. Allele origin: unknown.

GeneDx
Classification: Uncertain significance. Last evaluated: 2017-03-23. Review status: criteria provided, single submitter. Criteria: GeneDx Variant Classification (06012015). Collection method: clinical testing. Allele origin: germline. Affected: yes.
Comment: A variant of uncertain significance has been identified in the TTN gene. The M19655I variant has not been published as a pathogenic variant, nor has it been reported as a benign variant to our knowledge. The M19655I variant is not observed in large population cohorts (Lek et al., 2016; 1000 Genomes Consortium et al., 2015; Exome Variant Server). The M19655I variant is a conservative amino acid substitution, which is not likely to impact secondary protein structure as these residues share similar properties. This substitution occurs at a position that is not conserved. However, in silico analysis is inconsistent in its predictions as to whether or not the variant is damaging to the protein structure/function. Therefore, based on the currently available information, it is unclear whether this variant is a pathogenic variant or a rare benign variant.

NM_001267550.2(TTN):c.66669G>A (p.Met22223Ile)

Genes: TTN (titin; minus strand), TTN-AS1 (TTN antisense RNA 1; plus strand). Cytogenetic location: 2q31.2.
Variant type: single nucleotide variant.
Coding change: c.66669G>A on transcript NM_001267550.2 (MANE Select); coding-DNA position 66669, G replaced by A.
Protein change: p.Met22223Ile; replaces methionine 22223 with isoleucine.
Molecular consequence: missense variant.
Genome position (GRCh38, 1-based): chr2:178,581,599, C>T on the plus strand (G>A on the coding strand, the complement: TTN is on the minus strand). VCF-style: chr2-178581599-C-T. GRCh37 (hg19) VCF-style: chr2-179446326-C-T.
Other names: c.61746G>A, p.Met20582Ile (NM_001256850.1); c.39474G>A, p.Met13158Ile (NM_003319.4); c.58965G>A, p.Met19655Ile (NM_133378.4); c.39849G>A, p.Met13283Ile (NM_133432.3); c.40050G>A, p.Met13350Ile (NM_133437.4); short protein forms M20582I, M22223I, M13283I, M13158I, M13350I, M19655I.
Identifiers: ClinVar variation 424569 (VCV000424569.4), dbSNP rs1049450842, ClinGen allele CA16617364.